The following is an entry in ClinVar:

NM_014956.5(CEP164):c.2572C>G (p.His858Asp)

Gene: CEP164 (centrosomal protein 164; plus strand). Cytogenetic location: 11q23.3.
Variant type: single nucleotide variant.
Coding change: c.2572C>G on transcript NM_014956.5 (MANE Select); coding-DNA position 2572, C replaced by G.
Protein change: p.His858Asp; replaces histidine 858 with aspartic acid.
Molecular consequence: missense variant.
Genome position (GRCh38, 1-based): chr11:117,393,082, C>G. VCF-style: chr11-117393082-C-G. GRCh37 (hg19) VCF-style: chr11-117263798-C-G.
Other names: c.2581C>G, p.His861Asp (NM_001271933.2); c.2572C>G (NM_014956.4); short protein forms H858D, H861D.
Identifiers: ClinVar variation 3599071 (VCV003599071.2).

ClinVar aggregate classification (germline): Uncertain significance. Review status: criteria provided, multiple submitters, no conflicts (2 of 4 stars). 2 submissions from 2 submitters: Uncertain significance (2). Last evaluated 2026-01-02.

Conditions:
CEP164-related disorder. Also called: CEP164-related condition.
Nephronophthisis 15 (NPHP15). Identifiers: Orphanet 3156, MedGen C3541853, MONDO:0013917, OMIM 614845.

Submissions (2):

PreventionGenetics, part of Exact Sciences
Classification: Uncertain significance for CEP164-related condition. Last evaluated: 2026-01-02. Review status: criteria provided, single submitter. Criteria: ACMG Guidelines, 2015. Collection method: clinical testing. Allele origin: germline.
Comment: The CEP164 c.2572C>G variant is predicted to result in the amino acid substitution p.His858Asp. To our knowledge, this variant has not been reported in the literature. This variant is reported in 0.0029% of alleles in individuals of Latino descent in gnomAD. At this time, the clinical significance of this variant is uncertain due to the absence of conclusive functional and genetic evidence.

Fulgent Genetics
Classification: Uncertain significance for Nephronophthisis 15. Last evaluated: 2024-04-23. Review status: criteria provided, single submitter. Criteria: ACMG Guidelines, 2015. Collection method: clinical testing. Allele origin: germline.